The following is an entry in ClinVar:

ClinVar aggregate classification (germline): Pathogenic/Likely pathogenic. Review status: criteria provided, multiple submitters, no conflicts (2 of 4 stars). 5 submissions from 5 submitters: Pathogenic (4); Likely pathogenic (1). Last evaluated 2026-09-08.

Conditions:
Fabry disease. Also called: GLA DEFICIENCY; HEREDITARY DYSTOPIC LIPIDOSIS; Fabry's disease; Angiokeratoma corporis diffusum; Ceramide trihexosidosis; ALPHA-GALACTOSIDASE A DEFICIENCY. Identifiers: Orphanet 324, MedGen C0002986, MONDO:0010526, OMIM 301500, HP:0001071. Disease mechanism: loss of function, Fabry disease is due to inactivating mutations in the X-linked GLA gene resulting in deficiency of the enzyme Alpha Galactosidase-A..

Submissions (5):

Genomenon, Inc
Classification: Pathogenic for Fabry disease. Last evaluated: 2026-09-08. Review status: criteria provided, single submitter. Criteria: Genomenon Sequence Variant Interpretation Standards - Updated. Collection method: curation. Allele origin: germline. Affected: yes.
Comment: GLA p.Cys202Tyr (c.605G>A) is a missense variant that changes the amino acid at codon 202 from Cysteine to Tyrosine. This variant has been observed in at least one proband with clinical features consistent with Fabry disease (PMID:26415523;28507907;9100224;37940383;33022387;26303609;34917096;31996269;30385651;38304433;39980015;29305833;36569886;30988410;32843101). At least one functional study has demonstrated a substantial alteration in protein function relative to the wild-type (PMID:32023956;21598360;26415523;27657681). This variant is located in a mutational hotspot and/or important functional domain. It is absent or not present at a significant frequency in gnomAD. In silico models predict that this variant is possibly or probably damaging. In conclusion, we classify GLA p.Cys202Tyr (c.605G>A) as a pathogenic variant.

Color Diagnostics, LLC DBA Color Health
Classification: Pathogenic for Fabry disease. Last evaluated: 2025-10-22. Review status: criteria provided, single submitter. Criteria: ACMG Guidelines, 2015. Collection method: clinical testing. Allele origin: germline.
Comment: This missense variant replaces cysteine with tyrosine at codon 202 of the GLA protein. This variant is located just outside the substrate binding region (a.a. 203-207) and disrupts a cysteine residue that forms a disulfide bond with cysteine residue at codon 223 (PMID: 15003450). Computational prediction suggests that this variant may have deleterious impact on protein structure and function. Multiple functional studies have consistently shown that this variant results in the complete loss of GLA protein function (PMID: 21598360, 26415523, 27657681, 32023956). This variant has been reported in over twenty individuals affected with Fabry disease (PMID: 9100224, 15712228, 19387866, 26415523, 27896102, 28507907, 30985853, 31996269, 32023956, 32843101, 33022387, 37940383). This variant has been observed de novo in a heterozygous individual affected with Fabry disease (PMID: 27896102). This variant has not been identified in the general population by the Genome Aggregation Database (gnomAD). Based on the available evidence, this variant is classified as Pathogenic.

Labcorp Genetics (formerly Invitae), Labcorp
Classification: Pathogenic for Fabry disease. Last evaluated: 2024-11-30. Review status: criteria provided, single submitter. Criteria: Invitae Variant Classification Sherloc (09022015). Collection method: clinical testing. Allele origin: germline.
Comment: This sequence change replaces cysteine, which is neutral and slightly polar, with tyrosine, which is neutral and polar, at codon 202 of the GLA protein (p.Cys202Tyr). This variant is not present in population databases (gnomAD no frequency). This missense change has been observed in individual(s) with Fabry disease (PMID: 9100224, 19387866, 23935525; internal data). ClinVar contains an entry for this variant (Variation ID: 222314). Invitae Evidence Modeling of protein sequence and biophysical properties (such as structural, functional, and spatial information, amino acid conservation, physicochemical variation, residue mobility, and thermodynamic stability) indicates that this missense variant is expected to disrupt GLA protein function with a positive predictive value of 80%. Experimental studies have shown that this missense change affects GLA function (PMID: 26415523). This variant disrupts the p.Cys202 amino acid residue in GLA. Other variant(s) that disrupt this residue have been observed in individuals with GLA-related conditions (PMID: 10208848), which suggests that this may be a clinically significant amino acid residue. For these reasons, this variant has been classified as Pathogenic.

Genome-Nilou Lab
Classification: Likely pathogenic for Fabry disease. Last evaluated: 2021-07-15. Review status: criteria provided, single submitter. Criteria: ACMG Guidelines, 2015. Collection method: clinical testing. Allele origin: germline. Affected: no.

Eurofins Ntd Llc (ga)
Classification: Pathogenic. Last evaluated: 2018-04-02. Review status: criteria provided, single submitter. Criteria: EGL ClinVar v180209 classification definitions. Collection method: clinical testing. Allele origin: germline. Observed: 2 variant alleles, 2 heterozygotes.

Literature cited by the submitters: PubMed 26415523 (cited by 4 submitters); PubMed 28507907 (cited by Genomenon, Inc and Color Diagnostics, LLC DBA Color Health); PubMed 9100224 (cited by 4 submitters); PubMed 37940383 (cited by Genomenon, Inc and Color Diagnostics, LLC DBA Color Health); PubMed 33022387 (cited by Genomenon, Inc and Color Diagnostics, LLC DBA Color Health); PubMed 26303609 (cited by Genomenon, Inc); PubMed 34917096 (cited by Genomenon, Inc); PubMed 31996269 (cited by Genomenon, Inc and Color Diagnostics, LLC DBA Color Health); PubMed 30385651 (cited by Genomenon, Inc); PubMed 38304433 (cited by Genomenon, Inc); PubMed 39980015 (cited by Genomenon, Inc); PubMed 29305833 (cited by Genomenon, Inc); PubMed 36569886 (cited by Genomenon, Inc); PubMed 30988410 (cited by Genomenon, Inc); PubMed 32843101 (cited by Genomenon, Inc and Color Diagnostics, LLC DBA Color Health); PubMed 32023956 (cited by Genomenon, Inc and Color Diagnostics, LLC DBA Color Health); PubMed 21598360 (cited by 3 submitters); PubMed 27657681 (cited by Genomenon, Inc and Color Diagnostics, LLC DBA Color Health); PubMed 15003450 (cited by Color Diagnostics, LLC DBA Color Health); PubMed 15712228 (cited by Color Diagnostics, LLC DBA Color Health); PubMed 19387866 (cited by Color Diagnostics, LLC DBA Color Health and Labcorp Genetics (formerly Invitae), Labcorp); PubMed 27896102 (cited by Color Diagnostics, LLC DBA Color Health); PubMed 30985853 (cited by Color Diagnostics, LLC DBA Color Health); PubMed 23935525 (cited by Labcorp Genetics (formerly Invitae), Labcorp); PubMed 10208848 (cited by Labcorp Genetics (formerly Invitae), Labcorp); PubMed 24582695 (cited by Eurofins Ntd Llc (ga)); I:\T\Papers and Publications\GLA\Kobayashi_2014_C202Y.pdf (cited by Eurofins Ntd Llc (ga)).

NM_000169.3(GLA):c.605G>A (p.Cys202Tyr)

Genes: GLA (galactosidase alpha; minus strand), RPL36A-HNRNPH2 (RPL36A-HNRNPH2 readthrough; plus strand). Cytogenetic location: Xq22.1.
Variant type: single nucleotide variant.
Coding change: c.605G>A on transcript NM_000169.3 (MANE Select); coding-DNA position 605, G replaced by A.
Protein change: p.Cys202Tyr; replaces cysteine 202 with tyrosine.
Molecular consequence: missense variant. On other transcripts: non-coding transcript variant (2), intron variant (2).
Genome position (GRCh38, 1-based): chrX:101,400,700, C>T on the plus strand (G>A on the coding strand, the complement: GLA is on the minus strand). VCF-style: chrX-101400700-C-T. GRCh37 (hg19) VCF-style: chrX-100655688-C-T.
Other names: c.728G>A, p.Cys243Tyr (NM_001406747.1); c.605G>A, p.Cys202Tyr (NM_001406748.1); c.300+5243C>T (NM_001199973.2); c.177+8878C>T (NM_001199974.2); short protein forms C202Y, C243Y.
Identifiers: ClinVar variation 222314 (VCV000222314.18), dbSNP rs869312344, ClinGen allele CA352703.
Genomic context (GRCh38, chrX:101,400,700, plus strand): 5'-ATTGGATTCTGGGCTCACTATCTCACCTTTTGAAAGGGCCACATATAAAGAGGCCACTCA[C>T]AGGAGTACACAATGCTTCTGCCAGTCCTATTCAGGGCCAAGGACATGTGCTTATAACCTG-3'
Protein context (NP_000160.1, residues 192-212): NRTGRSIVYS[Cys202Tyr]EWPLYMWPFQ